The following is an entry in ClinVar:

ClinVar aggregate classification (germline): Uncertain significance. Review status: criteria provided, multiple submitters, no conflicts (2 of 4 stars). 3 submissions from 3 submitters: Uncertain significance (3). Last evaluated 2025-06-23.

Conditions:
TFG-related disorder. Also called: TFG-related disorders; TFG-related condition.
Hereditary motor and sensory neuropathy, Okinawa type (HMSNO). Also called: HEREDITARY MOTOR AND SENSORY NEUROPATHY, PROXIMAL TYPE. Identifiers: Orphanet 90117, MedGen C1858338, MONDO:0011468, OMIM 604484.
Hereditary spastic paraplegia 57. Also called: Spastic paraplegia 57, autosomal recessive. Identifiers: Orphanet 431329, MedGen C3714897, MONDO:0014295, OMIM 615658.
Inborn genetic diseases. Identifiers: MedGen C0950123, MeSH D030342.

Allele frequency attached by ClinVar (database versions not stated): gnomAD 0.00001 and 0.00002; TOPMed 0.00002; gnomAD exomes 0.00003 and 0.00006; ExAC 0.00004; 1000 Genomes Project 30x 0.00016; 1000 Genomes Project 0.00020.
gnomAD v4.1: 39 of 1,614,034 alleles (0.0024%); highest among the groups gnomAD compares: Admixed American, 0.02%; no homozygotes.

Submissions (3):

PreventionGenetics, part of Exact Sciences
Classification: Uncertain significance for TFG-related condition. Last evaluated: 2025-06-23. Review status: criteria provided, single submitter. Criteria: ACMG Guidelines, 2015. Collection method: clinical testing. Allele origin: germline.
Comment: The TFG c.1153C>T variant is predicted to result in the amino acid substitution p.Arg385Cys. To our knowledge, this variant has not been reported in the literature. This variant is reported in 0.034% of alleles in individuals of Latino descent in gnomAD. At this time, the clinical significance of this variant is uncertain due to the absence of conclusive functional and genetic evidence.

Labcorp Genetics (formerly Invitae), Labcorp
Classification: Uncertain significance for Hereditary motor and sensory neuropathy, Okinawa type; Hereditary spastic paraplegia 57. Last evaluated: 2024-10-27. Review status: criteria provided, single submitter. Criteria: Invitae Variant Classification Sherloc (09022015). Collection method: clinical testing. Allele origin: germline.
Comment: This sequence change replaces arginine, which is basic and polar, with cysteine, which is neutral and slightly polar, at codon 385 of the TFG protein (p.Arg385Cys). This variant is present in population databases (rs548772203, gnomAD 0.03%). This variant has not been reported in the literature in individuals affected with TFG-related conditions. ClinVar contains an entry for this variant (Variation ID: 862024). Invitae Evidence Modeling of protein sequence and biophysical properties (such as structural, functional, and spatial information, amino acid conservation, physicochemical variation, residue mobility, and thermodynamic stability) indicates that this missense variant is not expected to disrupt TFG protein function with a negative predictive value of 80%. In summary, the available evidence is currently insufficient to determine the role of this variant in disease. Therefore, it has been classified as a Variant of Uncertain Significance.

Ambry Genetics
Classification: Uncertain significance for Inborn genetic diseases. Last evaluated: 2024-04-22. Review status: criteria provided, single submitter. Criteria: Ambry Variant Classification Scheme 2023. Collection method: clinical testing. Allele origin: germline.

NM_006070.6(TFG):c.1153C>T (p.Arg385Cys)

Gene: TFG (trafficking from ER to golgi regulator; plus strand). Cytogenetic location: 3q12.2.
Variant type: single nucleotide variant.
Coding change: c.1153C>T on transcript NM_006070.6 (MANE Select); coding-DNA position 1153, C replaced by T.
Protein change: p.Arg385Cys; replaces arginine 385 with cysteine.
Molecular consequence: missense variant.
Genome position (GRCh38, 1-based): chr3:100,748,481, C>T. VCF-style: chr3-100748481-C-T. GRCh37 (hg19) VCF-style: chr3-100467325-C-T.
Other names: c.1153C>T, p.Arg385Cys (NM_001007565.2, NM_001195478.2); c.1141C>T, p.Arg381Cys (NM_001195479.2); short protein forms R381C, R385C.
Identifiers: ClinVar variation 862024 (VCV000862024.12), dbSNP rs548772203, ClinGen allele CA2517261.
Genomic context (GRCh38, chr3:100,748,481, plus strand): 5'-TCACTTCCTGGAAGTACCATGACCCCTCCTCCAAGTGGGCCTAATCCTTATGCGCGTAAC[C>T]GTCCTCCCTTTGGTCAGGGCTATACCCAACCTGGACCTGGTTATCGATAAGGAGGCTCCT-3'
Protein context (NP_006061.2, residues 375-395): PSGPNPYARN[Arg385Cys]PPFGQGYTQP